The following is an entry in ClinVar:

NM_000053.4(ATP7B):c.3577G>C (p.Ala1193Pro)

Gene: ATP7B (ATPase copper transporting beta; minus strand). Cytogenetic location: 13q14.3.
Variant type: single nucleotide variant.
Coding change: c.3577G>C on transcript NM_000053.4 (MANE Select); coding-DNA position 3577, G replaced by C.
Protein change: p.Ala1193Pro; replaces alanine 1193 with proline.
Molecular consequence: missense variant.
Genome position (GRCh38, 1-based): chr13:51,939,173, C>G on the plus strand (G>C on the coding strand, the complement: ATP7B is on the minus strand). VCF-style: chr13-51939173-C-G. GRCh37 (hg19) VCF-style: chr13-52513309-C-G.
Other names: c.2956G>C, p.Ala986Pro (NM_001005918.3); c.3244G>C, p.Ala1082Pro (NM_001243182.2); c.3343G>C, p.Ala1115Pro (NM_001330578.2, NM_001406527.1, NM_001406528.1); c.3325G>C, p.Ala1109Pro (NM_001330579.2, NM_001406531.1, NM_001406532.1); c.3577G>C, p.Ala1193Pro (NM_001406511.1, NM_001406512.1, NM_001406526.1); c.3571G>C, p.Ala1191Pro (NM_001406513.1); c.3544G>C, p.Ala1182Pro (NM_001406514.1); c.3523G>C, p.Ala1175Pro (NM_001406515.1, NM_001406516.1); and 20 more; short protein forms A1029P, A1031P, A1044P, A1050P, A1067P, A1080P, A1082P, A1083P.
Identifiers: ClinVar variation 4852554 (VCV004852554.1).

ClinVar aggregate classification (germline): Uncertain significance (1 of 4 stars; one submission).

Conditions:
Wilson disease (WND). Also called: Wilson's disease. Identifiers: Orphanet 905, MedGen C0019202, MONDO:0010200, OMIM 277900. Disease mechanism: loss of function.

gnomAD v4.1: 1 of 1,613,702 alleles (0.000062%); highest among the groups gnomAD compares: East Asian, 0.0022%; no homozygotes.

Submission:

Chongqing Key Laboratory of Child Rare Diseases in Infection and Immunity, Children’s Hospital of Chongqing Medical University
Classification: Uncertain significance for Wilson disease. Last evaluated: 2024-01-01. Review status: criteria provided, single submitter. Criteria: ACMG Guidelines, 2015. Collection method: clinical testing. Allele origin: germline. Inheritance: Autosomal recessive inheritance. Affected: yes.
Comment: Classified as Uncertain significance according to the ACMG/AMP 2015 guidelines (PMID:25741868). The classification was based on the available submitted evidence for Wilson disease (OMIM:277900), including clinical-testing observations, variant consequence/protein annotation, and published or ClinVar evidence where available. Supporting information considered: variant annotation: p.Ala1193Pro; Missense; Protein domain: N-domain-enriched; submitted notation: NM_000053.4:c.3577G>C (p.Ala1193Pro); source variant type: Missense; source domain: N-domain-enriched; allele count n=230: 1.